The following is an entry in ClinVar:

NM_000255.4(MMUT):c.945del (p.Tyr316fs)

Gene: MMUT (methylmalonyl-CoA mutase; minus strand). Cytogenetic location: 6p12.3.
Variant type: Deletion.
Coding change: c.945del on transcript NM_000255.4 (MANE Select); coding-DNA position 945, one base deleted (C; older notation c.945delC).
Protein change: p.Tyr316fs; shifts the reading frame from tyrosine 316.
Molecular consequence: frameshift variant.
Genome position (GRCh38, 1-based): chr6:49,453,723, G deleted on the plus strand (C on the coding strand, the reverse complement: MMUT is on the minus strand). VCF-style (leftmost placement, unchanged base first): chr6-49453722-AG-A. GRCh37 (hg19) VCF-style: chr6-49421435-AG-A.
Other names: short protein forms Y316fs.
Identifiers: ClinVar variation 5014273 (VCV005014273.1).

ClinVar aggregate classification (germline): Pathogenic (1 of 4 stars; one submission).

Conditions:
Methylmalonic aciduria due to methylmalonyl-CoA mutase deficiency (MAMM). Also called: Methylmalonic aciduria, mut type. Identifiers: Orphanet 27, MedGen C1855114, MONDO:0009612, OMIM 251000.

Submission:

Myriad Genetics, Inc.
Classification: Pathogenic for Methylmalonic aciduria due to methylmalonyl-CoA mutase deficiency. Last evaluated: 2025-03-28. Review status: criteria provided, single submitter. Criteria: Myriad Autosomal Dominant, Autosomal Recessive and X-Linked Classification Criteria (2023). Collection method: clinical testing. Allele origin: unknown.
Comment: NM_000255.3(MMUT):c.945delC(Y316Ifs*4) is expected to be pathogenic in the context of methylmalonic acidemia, MMUT-related. This variant is predicted to lead to an abnormal or absent protein product due to the creation of a premature termination codon in MMUT, a gene where loss-of-function variants are known to be pathogenic. Please note: this variant was assessed in the context of healthy population screening.